The following is an entry in ClinVar:

ClinVar aggregate classification (germline): Conflicting classifications of pathogenicity. Review status: criteria provided, conflicting classifications (1 of 4 stars). 2 submissions from 2 submitters: Uncertain significance (1); Likely benign (1). Last evaluated 2023-03-23.

Conditions:
Hereditary cancer-predisposing syndrome. Also called: Hereditary neoplastic syndrome; Tumor predisposition; Neoplastic Syndromes, Hereditary; Hereditary Cancer Syndrome. Identifiers: Orphanet 140162, MedGen C0027672, MeSH D009386, MONDO:0015356.

Submissions (2):

University of Washington Department of Laboratory Medicine, University of Washington
Classification: Likely benign for Hereditary cancer-predisposing syndrome. Last evaluated: 2023-03-23. Review status: criteria provided, single submitter. Criteria: Dines et al. (Genet Med. 2020). Collection method: curation. Allele origin: germline.
Comment: Missense variant in a coldspot region where missense variants are very unlikely to be pathogenic (PMID:31911673).

BRCA1 coldspot (exon 11 using historical exon numbering). Reclassification based on statistical prior probability

Sema4
Classification: Uncertain significance for Hereditary cancer-predisposing syndrome. Last evaluated: 2021-09-25. Review status: criteria provided, single submitter. Criteria: Sema4 Curation Guidelines. Collection method: curation. Allele origin: germline.
Comment: The BRCA1 c.2729A>G (p.Q910R) variant has not been reported in the literature to our knowledge. It was not observed in the large and broad cohorts of the Genome Aggregation Database, and has not been reported in ClinVar. Functional studies have not been performed, and in silico predictions of the variant's effect on protein function are inconclusive. The evidence is insufficient to meet ACMG/AMP criteria for classifying the variant as benign or pathogenic. Thus, the clinical significance of this variant is currently uncertain.

NM_007294.4(BRCA1):c.2729A>G (p.Gln910Arg)

Gene: BRCA1 (BRCA1 DNA repair associated; minus strand). Cytogenetic location: 17q21.31.
Variant type: single nucleotide variant.
Coding change: c.2729A>G on transcript NM_007294.4 (MANE Select); coding-DNA position 2729, A replaced by G.
Protein change: p.Gln910Arg; replaces glutamine 910 with arginine.
Molecular consequence: missense variant. On other transcripts: intron variant (137).
Genome position (GRCh38, 1-based): chr17:43,092,802, T>C on the plus strand (A>G on the coding strand, the complement: BRCA1 is on the minus strand). VCF-style: chr17-43092802-T-C. GRCh37 (hg19) VCF-style: chr17-41244819-T-C.
Other names: c.2393A>G, p.Gln798Arg (NM_001407955.1, NM_001407956.1, NM_001407958.1 and 1 more transcripts); c.2396A>G, p.Gln799Arg (NM_001407957.1, NM_001407946.1, NM_001407947.1 and 6 more transcripts); c.2348A>G, p.Gln783Arg (NM_001407959.1, NM_001407960.1, NM_001407963.1); c.2345A>G, p.Gln782Arg (NM_001407962.1); c.2585A>G, p.Gln862Arg (NM_001407964.1, NM_001407740.1, NM_001407741.1 and 20 more transcripts); c.2225A>G, p.Gln742Arg (NM_001407965.1); c.1841A>G, p.Gln614Arg (NM_001407966.1, NM_001407967.1); c.2588A>G, p.Gln863Arg (NM_007297.4, NM_001407692.1, NM_001407694.1 and 29 more transcripts); and 41 more; short protein forms Q863R, Q910R, Q614R, Q783R, Q798R, Q799R, Q842R, Q907R.
Identifiers: ClinVar variation 1692961 (VCV001692961.3), dbSNP rs2154362527, ClinGen allele CA10596533.